The following is an entry in ClinVar:

NM_024753.5(TTC21B):c.2569G>A (p.Ala857Thr)

Gene: TTC21B (tetratricopeptide repeat domain 21B; minus strand). Cytogenetic location: 2q24.3.
Variant type: single nucleotide variant.
Coding change: c.2569G>A on transcript NM_024753.5 (MANE Select); coding-DNA position 2569, G replaced by A.
Protein change: p.Ala857Thr; replaces alanine 857 with threonine.
Molecular consequence: missense variant.
Genome position (GRCh38, 1-based): chr2:165,901,910, C>T on the plus strand (G>A on the coding strand, the complement: TTC21B is on the minus strand). VCF-style: chr2-165901910-C-T. GRCh37 (hg19) VCF-style: chr2-166758420-C-T.
Other names: short protein forms A857T.
Identifiers: ClinVar variation 698383 (VCV000698383.18), dbSNP rs190101048, ClinGen allele CA1941774.

ClinVar aggregate classification (germline): Conflicting classifications of pathogenicity. Review status: criteria provided, conflicting classifications (1 of 4 stars). 8 submissions from 7 submitters: Likely pathogenic (1); Uncertain significance (5); Likely benign (1). 1 of the submissions does not count toward it. Last evaluated 2025-08-11.

Conditions:
Asphyxiating thoracic dystrophy 4 (SRTD4). Also called: SHORT-RIB THORACIC DYSPLASIA 4 WITH OR WITHOUT POLYDACTYLY; SHORT-RIB THORACIC DYSPLASIA 4. Identifiers: Orphanet 474, MedGen C3151185, MONDO:0013441, OMIM 613819.
Nephronophthisis 12 (NPHP12). Identifiers: Orphanet 655, MedGen C3151186, MONDO:0013442, OMIM 613820.
TTC21B-related disorder. Also called: TTC21B-related disorders; TTC21B-related condition.
Nephronophthisis. Also called: Juvenile Nephronophthisis. Identifiers: Orphanet 655, MedGen C0687120, MONDO:0019005, HP:0000090.
Jeune thoracic dystrophy. Also called: Short-rib thoracic dysplasia; Jeune syndrome; Infantile thoracic dystrophy; Thoracic pelvic phalangeal dystrophy; Jeune's syndrome; Chondroectodermal dysplasia-like syndrome. Identifiers: Orphanet 474, MedGen C0265275, MONDO:0018770.
Nephrotic syndrome. Identifiers: MedGen C0027726, MONDO:0005377, HP:0000100.

Allele frequency attached by ClinVar (database versions not stated): gnomAD 0.00005 and 0.00010; TOPMed 0.00006; gnomAD exomes 0.00014 and 0.00023; ExAC 0.00018; 1000 Genomes Project 30x 0.00109; 1000 Genomes Project 0.00140.
gnomAD v4.1: 220 of 1,612,346 alleles (0.014%); highest among the groups gnomAD compares: East Asian, 0.48%; no homozygotes.

Submissions (8):

GeneDx
Classification: Uncertain significance. Last evaluated: 2025-08-11. Review status: criteria provided, single submitter. Criteria: GeneDx Variant Classification Process June 2021. Collection method: clinical testing. Allele origin: germline. Affected: yes.
Comment: In silico analysis supports that this missense variant has a deleterious effect on protein structure/function; This variant is associated with the following publications: (PMID: 32238723, 35140360, 37880672, 29127259)

Labcorp Genetics (formerly Invitae), Labcorp
Classification: Likely benign for Jeune thoracic dystrophy; Nephronophthisis. Last evaluated: 2025-06-12. Review status: criteria provided, single submitter. Criteria: Invitae Variant Classification Sherloc (09022015). Collection method: clinical testing. Allele origin: germline.

PreventionGenetics, part of Exact Sciences
Classification: Uncertain significance for TTC21B-related condition. Last evaluated: 2025-04-25. Review status: criteria provided, single submitter. Criteria: ACMG Guidelines, 2015. Collection method: clinical testing. Allele origin: germline.
Comment: The TTC21B c.2569G>A variant is predicted to result in the amino acid substitution p.Ala857Thr. This variant has been reported in the homozygous state in an individual with steroid-resistant nephrotic syndrome (SRNS) (Warejko et al. 2018. PubMed ID: 29127259). It has also been reported in the compound heterozygous state in a child with end-stage renal disease (Hibino et al. 2020. PubMed ID: 32238723) and in a fetus with short long bones (Qin et al. 2023. PubMed ID: 37880672). This variant is reported in 0.31% of alleles in individuals of East Asian descent in gnomAD. This variant has conflicting classifications listed in ClinVar ranging from likely benign to likely pathogenic (ClinVar ID: 698383). At this time, the clinical significance of this variant is uncertain due to the absence of conclusive functional and genetic evidence.

Fulgent Genetics
Classification: Likely pathogenic for Asphyxiating thoracic dystrophy 4; Nephronophthisis 12. Last evaluated: 2024-04-09. Review status: criteria provided, single submitter. Criteria: ACMG Guidelines, 2015. Collection method: clinical testing. Allele origin: germline.

Blueprint Genetics
Classification: Uncertain significance. Last evaluated: 2024-02-26. Review status: criteria provided, single submitter. Criteria: ACMG Guidelines, 2015. Collection method: clinical testing. Allele origin: germline.

Illumina Laboratory Services, Illumina
Classification: Uncertain significance for Nephronophthisis 12. Last evaluated: 2018-01-13. Review status: criteria provided, single submitter. Criteria: ICSL Variant Classification Criteria 13 December 2019. Collection method: clinical testing. Allele origin: germline.

Illumina Laboratory Services, Illumina
Classification: Uncertain significance for Asphyxiating thoracic dystrophy 4. Last evaluated: 2018-01-13. Review status: criteria provided, single submitter. Criteria: ICSL Variant Classification Criteria 13 December 2019. Collection method: clinical testing. Allele origin: germline.

Yale Center for Mendelian Genomics, Yale University
Classification: Likely pathogenic for Nephrotic syndrome. Last evaluated: 2017-11-10. Review status: no assertion criteria provided. Collection method: literature only. Allele origin: germline. Affected: yes. Observed: 1 homozygote. Study: Yale Center for Mendelian Genomics. Not counted in ClinVar's aggregate classification.

Literature cited by the submitters: PubMed 29127259 (cited by Yale Center for Mendelian Genomics, Yale University).